The following is an entry in ClinVar:

NM_001135629.3(PPP1R21):c.877A>G (p.Ile293Val)

Gene: PPP1R21 (protein phosphatase 1 regulatory subunit 21; plus strand). Cytogenetic location: 2p16.3.
Variant type: single nucleotide variant.
Coding change: c.877A>G on transcript NM_001135629.3 (MANE Select); coding-DNA position 877, A replaced by G.
Protein change: p.Ile293Val; replaces isoleucine 293 with valine.
Molecular consequence: missense variant. On other transcripts: non-coding transcript variant (1).
Genome position (GRCh38, 1-based): chr2:48,465,622, A>G. VCF-style: chr2-48465622-A-G. GRCh37 (hg19) VCF-style: chr2-48692761-A-G.
Other names: c.877A>G, p.Ile293Val (NM_001193475.2, NM_152994.5); short protein forms I293V.
Identifiers: ClinVar variation 2375617 (VCV002375617.3), dbSNP rs145521877, ClinGen allele CA1651064.

ClinVar aggregate classification (germline): Uncertain significance. Review status: criteria provided, multiple submitters, no conflicts (2 of 4 stars). 2 submissions from 2 submitters: Uncertain significance (2). Last evaluated 2024-05-24.

Conditions:
Inborn genetic diseases. Identifiers: MedGen C0950123, MeSH D030342.

Allele frequency attached by ClinVar (database versions not stated): ExAC 0.00006; gnomAD 0.00012; TOPMed 0.00014; 1000 Genomes Project 30x 0.00016; 1000 Genomes Project 0.00020; ESP Exome Variant Server 0.00023.
gnomAD v4.1: 66 of 1,612,152 alleles (0.0041%); highest among the groups gnomAD compares: African/African-American, 0.033%; no homozygotes.

Submissions (2):

GeneDx
Classification: Uncertain significance. Last evaluated: 2024-05-24. Review status: criteria provided, single submitter. Criteria: GeneDx Variant Classification Process June 2021. Collection method: clinical testing. Allele origin: germline. Affected: yes.
Comment: In silico analysis indicates that this missense variant does not alter protein structure/function; Has not been previously published as pathogenic or benign to our knowledge

Ambry Genetics
Classification: Uncertain significance for Inborn genetic diseases. Last evaluated: 2021-02-25. Review status: criteria provided, single submitter. Criteria: Ambry Variant Classification Scheme 2023. Collection method: clinical testing. Allele origin: germline.